The following is an entry in ClinVar:

NM_001621.5(AHR):c.1321G>A (p.Ala441Thr)

Gene: AHR (aryl hydrocarbon receptor; plus strand). Cytogenetic location: 7p21.1.
Variant type: single nucleotide variant.
Coding change: c.1321G>A on transcript NM_001621.5 (MANE Select); coding-DNA position 1321, G replaced by A.
Protein change: p.Ala441Thr; replaces alanine 441 with threonine.
Molecular consequence: missense variant.
Genome position (GRCh38, 1-based): chr7:17,339,146, G>A. VCF-style: chr7-17339146-G-A. GRCh37 (hg19) VCF-style: chr7-17378770-G-A.
Other names: short protein forms A441T.
Identifiers: ClinVar variation 1501975 (VCV001501975.6), dbSNP rs773764371, ClinGen allele CA4172090.
Genomic context (GRCh38, chr7:17,339,146, plus strand): 5'-CCTGCCATAATGGATCCCTTACCACTAAGGACTAAAAATGGCACTAGTGGAAAAGACTCT[G>A]CTACCACATCCACTCTAAGCAAGGACTCTCTCAATCCTAGTTCCCTCCTGGCTGCCATGA-3'
Protein context (NP_001612.1, residues 431-451): TKNGTSGKDS[Ala441Thr]TTSTLSKDSL

ClinVar aggregate classification (germline): Uncertain significance (1 of 4 stars; one submission).

Allele frequency attached by ClinVar (database versions not stated): gnomAD exomes below 0.00001; TOPMed below 0.00001; ExAC 0.00001; gnomAD 0.00001.
gnomAD v4.1: 8 of 1,614,016 alleles (0.0005%); highest among the groups gnomAD compares: Non-Finnish European, 0.00051%; no homozygotes.

Submission:

Labcorp Genetics (formerly Invitae), Labcorp
Classification: Uncertain significance. Last evaluated: 2022-10-13. Review status: criteria provided, single submitter. Criteria: Invitae Variant Classification Sherloc (09022015). Collection method: clinical testing. Allele origin: germline.
Comment: This sequence change replaces alanine, which is neutral and non-polar, with threonine, which is neutral and polar, at codon 441 of the AHR protein (p.Ala441Thr). This variant is present in population databases (rs773764371, gnomAD 0.0009%). This variant has not been reported in the literature in individuals affected with AHR-related conditions. ClinVar contains an entry for this variant (Variation ID: 1501975). Algorithms developed to predict the effect of missense changes on protein structure and function output the following: SIFT: "Tolerated"; PolyPhen-2: "Benign"; Align-GVGD: "Class C0". The threonine amino acid residue is found in multiple mammalian species, which suggests that this missense change does not adversely affect protein function. In summary, the available evidence is currently insufficient to determine the role of this variant in disease. Therefore, it has been classified as a Variant of Uncertain Significance.